The following is an entry in ClinVar:

ClinVar aggregate classification (germline): Conflicting classifications of pathogenicity. Review status: criteria provided, conflicting classifications (1 of 4 stars). 4 submissions from 4 submitters: Pathogenic (1); Uncertain significance (2). 1 of the submissions does not count toward it. Last evaluated 2022-11-16.

Conditions:
Spondylodysplastic Ehlers-Danlos syndrome. Identifiers: Orphanet 536471, Orphanet 75496, MedGen C5680154, MONDO:0007526.
Ehlers-Danlos syndrome, spondylodysplastic type, 1 (EDSSPD1). Also called: Ehlers-Danlos syndrome progeroid type; XGPT DEFICIENCY; XYLOSYLPROTEIN 4-BETA-GALACTOSYLTRANSFERASE DEFICIENCY; DERMATAN SULFATE PROTEOGLYCAN; EHLERS-DANLOS SYNDROME, PROGEROID TYPE, 1; GALACTOSYLTRANSFERASE I DEFICIENCY. Identifiers: Orphanet 75496, MedGen C4552003, MONDO:0020682, OMIM 130070.
Lethal skeletal dysplasia. Identifiers: MedGen C4021626, HP:0005716.

Allele frequency attached by ClinVar (database versions not stated): gnomAD exomes below 0.00001; TOPMed below 0.00001.

Submissions (4):

GeneDx
Classification: Pathogenic. Last evaluated: 2022-11-16. Review status: criteria provided, single submitter. Criteria: GeneDx Variant Classification Process June 2021. Collection method: clinical testing. Allele origin: germline. Affected: yes.
Comment: Published functional studies demonstrate a impaired protein localization and activity (Mihalic Mosher et al., 2019); Not observed at significant frequency in large population cohorts (gnomAD); In silico analysis supports that this missense variant has a deleterious effect on protein structure/function; This variant is associated with the following publications: (PMID: 31278392, 34193099)

Labcorp Genetics (formerly Invitae), Labcorp
Classification: Uncertain significance for Spondylodysplastic Ehlers-Danlos syndrome. Last evaluated: 2021-10-14. Review status: criteria provided, single submitter. Criteria: Invitae Variant Classification Sherloc (09022015). Collection method: clinical testing. Allele origin: germline.
Comment: This sequence change replaces glutamine with arginine at codon 133 of the B4GALT7 protein (p.Gln133Arg). The glutamine residue is highly conserved and there is a small physicochemical difference between glutamine and arginine. This variant is not present in population databases (ExAC no frequency). This missense change has been observed in individual(s) with B4GALT7-related conditions (PMID: 31278392). It has also been observed to segregate with disease in related individuals. ClinVar contains an entry for this variant (Variation ID: 632558). Algorithms developed to predict the effect of missense changes on protein structure and function are either unavailable or do not agree on the potential impact of this missense change (SIFT: "Deleterious"; PolyPhen-2: "Probably Damaging"; Align-GVGD: "Class C0"). Experimental studies have shown that this missense change affects B4GALT7 function (PMID: 31278392). In summary, the available evidence is currently insufficient to determine the role of this variant in disease. Therefore, it has been classified as a Variant of Uncertain Significance.

Institute for Genomic Medicine, Nationwide Children's Hospital
Classification: Uncertain significance for Lethal skeletal dysplasia. Last evaluated: 2019-05-23. Review status: criteria provided, single submitter. Criteria: ACMG Guidelines, 2015. Collection method: research. Allele origin: paternal. Inheritance: Autosomal recessive inheritance. Affected: yes. Observed: 1 heterozygote.
Comment: This variant has been observed in 1 out of 120,473 gnomAD individuals (1 heterozygote, MAF=0.00000415), making it extremely rare. It is predicted to cause a missense change in the glycosyltransferase domain, and classified as damaging by a majority of in silico tools. In vitro enzyme assays confirmed a total lack of enzyme activity for this variant.

OMIM
Classification: Pathogenic for EHLERS-DANLOS SYNDROME, SPONDYLODYSPLASTIC TYPE, 1. Last evaluated: 2023-11-30. Review status: no assertion criteria provided. Collection method: literature only. Allele origin: germline. Not counted in ClinVar's aggregate classification.

Literature cited by the submitters: PubMed 31278392 (cited by Labcorp Genetics (formerly Invitae), Labcorp and OMIM).

NM_007255.3(B4GALT7):c.398A>G (p.Gln133Arg)

Gene: B4GALT7 (beta-1,4-galactosyltransferase 7; plus strand). Cytogenetic location: 5q35.3.
Variant type: single nucleotide variant.
Coding change: c.398A>G on transcript NM_007255.3 (MANE Select); coding-DNA position 398, A replaced by G.
Protein change: p.Gln133Arg; replaces glutamine 133 with arginine.
Molecular consequence: missense variant.
Genome position (GRCh38, 1-based): chr5:177,604,526, A>G. VCF-style: chr5-177604526-A-G. GRCh37 (hg19) VCF-style: chr5-177031527-A-G.
Other names: B4GALT7, GLN133ARG (rs1370937766); c.398A>G (NM_007255.2); short protein forms Q133R.
Identifiers: ClinVar variation 632558 (VCV000632558.10), dbSNP rs1370937766, ClinGen allele CA362374384.